The following is an entry in ClinVar:

NM_130837.3(OPA1):c.*2286T>C

Gene: OPA1 (OPA1 mitochondrial dynamin like GTPase; plus strand). Cytogenetic location: 3q29.
Variant type: single nucleotide variant.
Coding change: c.*2286T>C on transcript NM_130837.3 (MANE Select); 2286 bases downstream of the stop codon, T replaced by C.
Molecular consequence: 3 prime UTR variant.
Genome position (GRCh38, 1-based): chr3:193,696,886, T>C. VCF-style: chr3-193696886-T-C. GRCh37 (hg19) VCF-style: chr3-193414675-T-C.
Other names: c.*2286T>C (NM_001354663.2, NM_001354664.2, NM_015560.3 and 6 more transcripts).
Identifiers: ClinVar variation 344511 (VCV000344511.5), dbSNP rs115575058, ClinGen allele CA10616000.

ClinVar aggregate classification (germline): Benign (1 of 4 stars; one submission).

Conditions:
Autosomal dominant optic atrophy classic form (OPA1). Also called: Optic Atrophy Type 1; KJER-TYPE OPTIC ATROPHY; OPTIC ATROPHY, JUVENILE. Identifiers: Orphanet 98673, MedGen C0338508, MONDO:0008134, OMIM 165500.

Allele frequency attached by ClinVar (database versions not stated): 1000 Genomes Project 0.02137; 1000 Genomes Project 30x 0.02217; TOPMed 0.02217; gnomAD 0.02395 and 0.02406.

Submission:

Illumina Laboratory Services, Illumina
Classification: Benign for Autosomal dominant optic atrophy classic form. Last evaluated: 2018-01-13. Review status: criteria provided, single submitter. Criteria: ICSL Variant Classification Criteria 13 December 2019. Collection method: clinical testing. Allele origin: germline.
Comment: This variant was observed in the ICSL laboratory as part of a predisposition screen in an ostensibly healthy population. It had not been previously curated by ICSL or reported in the Human Gene Mutation Database (HGMD: prior to June 1st, 2018), and was therefore a candidate for classification through an automated scoring system. Utilizing variant allele frequency, disease prevalence and penetrance estimates, and inheritance mode, an automated score was calculated to assess if this variant is too frequent to cause the disease. Based on the score and internal cut-off values, a variant classified as benign is not then subjected to further curation. The score for this variant resulted in a classification of benign for this disease.